The following is an entry in ClinVar:

NM_000132.4(F8):c.665A>C (p.Asp222Ala)

Gene: F8 (coagulation factor VIII; minus strand). Cytogenetic location: Xq28.
Variant type: single nucleotide variant.
Coding change: c.665A>C on transcript NM_000132.4 (MANE Select); coding-DNA position 665, A replaced by C.
Protein change: p.Asp222Ala; replaces aspartic acid 222 with alanine.
Molecular consequence: missense variant.
Genome position (GRCh38, 1-based): chrX:154,987,242, T>G on the plus strand (A>C on the coding strand, the complement: F8 is on the minus strand). VCF-style: chrX-154987242-T-G. GRCh37 (hg19) VCF-style: chrX-154215517-T-G.
Other names: short protein forms D222A.
Identifiers: ClinVar variation 1330641 (VCV001330641.7), dbSNP rs137852396, ClinGen allele CA414919206.

ClinVar aggregate classification (germline): Likely pathogenic (1 of 4 stars; one submission).

Conditions:
Hereditary factor VIII deficiency disease (HEMA). Also called: HEMOPHILIA, CLASSIC; AUTOSOMAL HEMOPHILIA A; Hemophilia A; Hemophilia A, congenital; HEM A; Factor 8 deficiency, congenital. Identifiers: Orphanet 98878, MedGen C0019069, MONDO:0010602, OMIM 306700.

Submission:

ARUP Laboratories, Molecular Genetics and Genomics, ARUP Laboratories
Classification: Likely pathogenic for Hereditary factor VIII deficiency disease. Last evaluated: 2021-11-12. Review status: criteria provided, single submitter. Criteria: ARUP Molecular Germline Variant Investigation Process 2021. Collection method: clinical testing. Allele origin: germline.
Comment: The F8 c.665A>C; p.Asp222Ala variant (rs137852396), also known as Asp203Ala, is reported in the literature in individuals affected with hemophilia A (see link to FVIII database, Johnsen 2017). This variant is absent from the Genome Aggregation Database, indicating it is not a common polymorphism. The aspartate at codon 222 is highly conserved, and computational analyses predict that this variant is deleterious (REVEL: 0.883). Additionally, other variants at this codon (c.665A>T; p.Asp222Val, c.665A>G; p.Asp222Gly) have been reported in individuals with hemophilia A (see link to FVIII database and references therein, Bogdanova 2007, Johnsen 2017). Based on available information, this variant is considered to be likely pathogenic. References: Link to FVIII database: Bogdanova N et al. Spectrum of molecular defects and mutation detection rate in patients with mild and moderate hemophilia A. Hum Mutat. 2007 Jan;28(1):54-60. PMID: 16972227. Johnsen JM et al. Novel approach to genetic analysis and results in 3000 hemophilia patients enrolled in the My Life, Our Future initiative. Blood Adv. 2017 May 18;1(13):824-834. PMID: 29296726.